The following is an entry in ClinVar:

NM_020911.2(PLXNA4):c.2332C>G (p.Pro778Ala)

Gene: PLXNA4 (plexin A4; minus strand). Cytogenetic location: 7q32.3.
Variant type: single nucleotide variant.
Coding change: c.2332C>G on transcript NM_020911.2 (MANE Select); coding-DNA position 2332, C replaced by G.
Protein change: p.Pro778Ala; replaces proline 778 with alanine.
Molecular consequence: missense variant.
Genome position (GRCh38, 1-based): chr7:132,203,386, G>C on the plus strand (C>G on the coding strand, the complement: PLXNA4 is on the minus strand). VCF-style: chr7-132203386-G-C. GRCh37 (hg19) VCF-style: chr7-131888145-G-C.
Other names: c.2332C>G, p.Pro778Ala (NM_001393897.1); short protein forms P778A.
Identifiers: ClinVar variation 4994402 (VCV004994402.1).

ClinVar aggregate classification (germline): Uncertain significance (1 of 4 stars; one submission).

Conditions:
PLXNA4-related disorder. Also called: PLXNA4-related condition.

Submission:

PreventionGenetics, part of Exact Sciences
Classification: Uncertain significance for PLXNA4-related condition. Last evaluated: 2026-08-13. Review status: criteria provided, single submitter. Criteria: ACMG Guidelines, 2015. Collection method: clinical testing. Allele origin: germline.
Comment: The PLXNA4 c.2332C>G variant is predicted to result in the amino acid substitution p.Pro778Ala. To our knowledge, this variant has not been reported in the literature or in a large population database (gnomAD), indicating this variant is rare. At this time, the clinical significance of this variant is uncertain due to the absence of conclusive functional and genetic evidence.